The following is an entry in ClinVar:

NM_001277115.2(DNAH11):c.3001-7C>T

Genes: DNAH11 (dynein axonemal heavy chain 11; plus strand), LOC126859961 (BRD4-independent group 4 enhancer GRCh37_chr7:21639662-21640861; plus strand). Cytogenetic location: 7p15.3.
Variant type: single nucleotide variant.
Coding change: c.3001-7C>T on transcript NM_001277115.2 (MANE Select); 7 bases into the intron before coding-DNA position 3001, C replaced by T.
Molecular consequence: intron variant.
Genome position (GRCh38, 1-based): chr7:21,600,669, C>T. VCF-style: chr7-21600669-C-T. GRCh37 (hg19) VCF-style: chr7-21640287-C-T.
Identifiers: ClinVar variation 698460 (VCV000698460.35), dbSNP rs369466371, ClinGen allele CA4179506.

ClinVar aggregate classification (germline): Benign/Likely benign. Review status: criteria provided, multiple submitters, no conflicts (2 of 4 stars). 3 submissions from 3 submitters: Benign (1); Likely benign (2). Last evaluated 2025-09-10.

Conditions:
Primary ciliary dyskinesia. Also called: Ciliary dyskinesia. Identifiers: Orphanet 244, MedGen C0008780, MONDO:0016575, HP:0012265.

Allele frequency attached by ClinVar (database versions not stated): TOPMed 0.00006; 1000 Genomes Project 30x 0.00016; ESP Exome Variant Server 0.00017; gnomAD 0.00239.
gnomAD v4.1: 1,834 of 1,596,546 alleles (0.11%); highest among the groups gnomAD compares: Non-Finnish European, 0.018%; 21 homozygotes.

Submissions (3):

Labcorp Genetics (formerly Invitae), Labcorp
Classification: Benign for Primary ciliary dyskinesia. Last evaluated: 2025-09-10. Review status: criteria provided, single submitter. Criteria: Invitae Variant Classification Sherloc (09022015). Collection method: clinical testing. Allele origin: germline.

Blueprint Genetics
Classification: Likely benign. Last evaluated: 2024-11-22. Review status: criteria provided, single submitter. Criteria: ACMG Guidelines, 2015. Collection method: clinical testing. Allele origin: germline.

CeGaT Center for Human Genetics Tuebingen
Classification: Likely benign. Last evaluated: 2022-10-01. Review status: criteria provided, single submitter. Criteria: CeGaT Center For Human Genetics Tuebingen Variant Classification Criteria Version 2. Collection method: clinical testing. Allele origin: germline. Affected: yes. Observed: 1 variant allele.
Comment: DNAH11: BP4